The following is an entry in ClinVar:

ClinVar aggregate classification (germline): Uncertain significance. Review status: criteria provided, single submitter (1 of 4 stars). 2 submissions from 1 submitter: Uncertain significance (2).

Conditions:
Transitory neonatal diabetes mellitus. Also called: Transient neonatal diabetes mellitus. Identifiers: MedGen C0342273, MONDO:0020525, HP:0008255.
Maturity-onset diabetes of the young (MODY). Also called: Maturity onset diabetes mellitus in young. Identifiers: Orphanet 552, MedGen C0342276, MONDO:0018911, HP:0004904.

Allele frequency attached by ClinVar (database versions not stated): ExAC 0.00001.

Submissions (2):

Clinical Genomics, Uppaluri K&H Personalized Medicine Clinic
Classification: Uncertain significance for Maturity-onset diabetes of the young. Review status: criteria provided, single submitter. Criteria: K & H Uppaluri Personalized Medicine Clinic Variant Classification & Assertion Criteria_Updated V.1. Collection method: research. Allele origin: unknown. Inheritance: Somatic mutation.
Comment: Mutations in ABCC8 gene are associated with both neonatal diabetes mellitus as well as MODY. Patients with this mutation may have a better response to sulfonylureas. However, no sufficient evidence is found to ascertain the role of this particular variant ( rs768372267) in MODY yet.

Clinical Genomics, Uppaluri K&H Personalized Medicine Clinic
Classification: Uncertain significance for Transitory neonatal diabetes mellitus. Review status: criteria provided, single submitter. Criteria: K & H Uppaluri Personalized Medicine Clinic Variant Classification & Assertion Criteria_Updated V.1. Collection method: research. Allele origin: unknown. Inheritance: Somatic mutation.
Comment: Mutations in ABCC8 gene are associated with both neonatal diabetes mellitus as well as MODY. Patients with this mutation may have a better response to sulfonylureas. However, no sufficient evidence is found to ascertain the role of this particular variant ( rs768372267) in neonatal diabetes yet.

Literature cited by the submitters: PubMed 16885549; PubMed 21989597; PubMed 27538677; PubMed 18981553; PubMed 32027066; PubMed 16613899; PubMed 18025408; PubMed 32792356.

NM_000352.6(ABCC8):c.97G>A (p.Val33Met)

Gene: ABCC8 (ATP binding cassette subfamily C member 8; minus strand). Cytogenetic location: 11p15.1.
Variant type: single nucleotide variant.
Coding change: c.97G>A on transcript NM_000352.6 (MANE Select); coding-DNA position 97, G replaced by A.
Protein change: p.Val33Met; replaces valine 33 with methionine.
Molecular consequence: missense variant. On other transcripts: non-coding transcript variant (1).
Genome position (GRCh38, 1-based): chr11:17,476,680, C>T on the plus strand (G>A on the coding strand, the complement: ABCC8 is on the minus strand). VCF-style: chr11-17476680-C-T. GRCh37 (hg19) VCF-style: chr11-17498227-C-T.
Other names: c.97G>A, p.Val33Met (NM_001287174.3, NM_001351295.2, NM_001351296.2 and 1 more transcripts); short protein forms V33M.
Identifiers: ClinVar variation 1691268 (VCV001691268.2), dbSNP rs768372267, ClinGen allele CA5903983.
Genomic context (GRCh38, chr11:17,476,680, plus strand): 5'-CGCACTCACCAATGAAGAGGATGGGGAAGGTGATGAAGAGTAGGAAGACGTGCGGCACCA[C>T]GTTGAGCGCGTCCACAAAGCAGCCGTTGTTGAGGACCCCCTGGTCCACCCGGTAGGCGGC-3'
Protein context (NP_000343.2, residues 23-43): NNGCFVDALN[Val33Met]VPHVFLLFIT